The following is an entry in ClinVar:

ClinVar aggregate classification (germline): Likely benign. Review status: criteria provided, multiple submitters, no conflicts (2 of 4 stars). 2 submissions from 2 submitters: Likely benign (2). Last evaluated 2024-10-16.

Allele frequency attached by ClinVar (database versions not stated): gnomAD 0.00007; TOPMed 0.00008; ExAC 0.00012; ESP Exome Variant Server 0.00023.
gnomAD v4.1: 212 of 1,609,972 alleles (0.013%); highest among the groups gnomAD compares: Non-Finnish European, 0.017%; no homozygotes.

Submissions (2):

Blueprint Genetics
Classification: Likely benign. Last evaluated: 2024-10-16. Review status: criteria provided, single submitter. Criteria: ACMG Guidelines, 2015. Collection method: clinical testing. Allele origin: germline.

CeGaT Center for Human Genetics Tuebingen
Classification: Likely benign. Last evaluated: 2022-11-01. Review status: criteria provided, single submitter. Criteria: CeGaT Center For Human Genetics Tuebingen Variant Classification Criteria Version 2. Collection method: clinical testing. Allele origin: germline. Affected: yes. Observed: 2 variant alleles.
Comment: HECW2: BP4, BP7

NM_001348768.2(HECW2):c.3267A>G (p.Leu1089=)

Gene: HECW2 (HECT, C2 and WW domain containing E3 ubiquitin protein ligase 2; minus strand). Cytogenetic location: 2q32.3.
Variant type: single nucleotide variant.
Coding change: c.3267A>G on transcript NM_001348768.2 (MANE Select); coding-DNA position 3267, A replaced by G.
Protein change: p.Leu1089=; no amino-acid change (leucine 1089 retained).
Molecular consequence: synonymous variant.
Genome position (GRCh38, 1-based): chr2:196,271,261, T>C on the plus strand (A>G on the coding strand, the complement: HECW2 is on the minus strand). VCF-style: chr2-196271261-T-C. GRCh37 (hg19) VCF-style: chr2-197135985-T-C.
Other names: c.2199A>G, p.Leu733= (NM_001304840.3); c.3267A>G, p.Leu1089= (NM_020760.4).
Identifiers: ClinVar variation 1711523 (VCV001711523.31), dbSNP rs138021514, ClinGen allele CA2037805.